The following is an entry in ClinVar:

NM_005911.6(MAT2A):c.721A>G (p.Ile241Val)

Genes: GGCX (gamma-glutamyl carboxylase; minus strand), MAT2A (methionine adenosyltransferase 2A; plus strand). Cytogenetic location: 2p11.2.
Variant type: single nucleotide variant.
Coding change: c.721A>G on transcript NM_005911.6 (MANE Select); coding-DNA position 721, A replaced by G.
Protein change: p.Ile241Val; replaces isoleucine 241 with valine.
Molecular consequence: missense variant.
Genome position (GRCh38, 1-based): chr2:85,542,326, A>G. VCF-style: chr2-85542326-A-G. GRCh37 (hg19) VCF-style: chr2-85769449-A-G.
Other names: short protein forms I241V.
Identifiers: ClinVar variation 1038080 (VCV001038080.13), dbSNP rs578215416, ClinGen allele CA1741466.

ClinVar aggregate classification (germline): Uncertain significance. Review status: criteria provided, multiple submitters, no conflicts (2 of 4 stars). 2 submissions from 2 submitters: Uncertain significance (2). Last evaluated 2025-11-13.

Conditions:
Familial thoracic aortic aneurysm and aortic dissection (TAAD). Also called: Thoracic aortic aneurysms and dissections. Identifiers: Orphanet 91387, MedGen C4707243, MONDO:0019625.
Cardiovascular phenotype. Identifiers: MedGen CN230736.

Allele frequency attached by ClinVar (database versions not stated): TOPMed 0.00005; ExAC 0.00008; gnomAD exomes 0.00008; 1000 Genomes Project 30x 0.00016; 1000 Genomes Project 0.00020.

Submissions (2):

Ambry Genetics
Classification: Uncertain significance for Cardiovascular phenotype. Last evaluated: 2025-11-13. Review status: criteria provided, single submitter. Criteria: Ambry Variant Classification Scheme 2023. Collection method: clinical testing. Allele origin: germline.

Labcorp Genetics (formerly Invitae), Labcorp
Classification: Uncertain significance for Familial thoracic aortic aneurysm and aortic dissection. Last evaluated: 2025-06-22. Review status: criteria provided, single submitter. Criteria: Invitae Variant Classification Sherloc (09022015). Collection method: clinical testing. Allele origin: germline.
Comment: This sequence change replaces isoleucine, which is neutral and non-polar, with valine, which is neutral and non-polar, at codon 241 of the MAT2A protein (p.Ile241Val). This variant is present in population databases (rs578215416, gnomAD 0.03%). This variant has not been reported in the literature in individuals affected with MAT2A-related conditions. ClinVar contains an entry for this variant (Variation ID: 1038080). An algorithm developed to predict the effect of missense changes on protein structure and function (PolyPhen-2) suggests that this variant is likely to be tolerated. In summary, the available evidence is currently insufficient to determine the role of this variant in disease. Therefore, it has been classified as a Variant of Uncertain Significance.